The following is an entry in ClinVar:

ClinVar aggregate classification (germline): Benign/Likely benign. Review status: criteria provided, multiple submitters, no conflicts (2 of 4 stars). 2 submissions from 2 submitters: Benign (1); Likely benign (1). Last evaluated 2025-03-17.

Allele frequency attached by ClinVar (database versions not stated): gnomAD 0.00003; ExAC 0.00004.
gnomAD v4.1: 46 of 1,613,936 alleles (0.0029%); highest among the groups gnomAD compares: South Asian, 0.042%; no homozygotes.

Submissions (2):

Labcorp Genetics (formerly Invitae), Labcorp
Classification: Benign. Last evaluated: 2025-03-17. Review status: criteria provided, single submitter. Criteria: Invitae Variant Classification Sherloc (09022015). Collection method: clinical testing. Allele origin: germline.

CeGaT Center for Human Genetics Tuebingen
Classification: Likely benign. Last evaluated: 2022-10-01. Review status: criteria provided, single submitter. Criteria: CeGaT Center For Human Genetics Tuebingen Variant Classification Criteria Version 2. Collection method: clinical testing. Allele origin: germline. Affected: yes. Observed: 1 variant allele.
Comment: MTOR: PP2, BS2

NM_004958.4(MTOR):c.5351G>A (p.Arg1784His)

Gene: MTOR (mechanistic target of rapamycin kinase; minus strand). Cytogenetic location: 1p36.22.
Variant type: single nucleotide variant.
Coding change: c.5351G>A on transcript NM_004958.4 (MANE Select); coding-DNA position 5351, G replaced by A.
Protein change: p.Arg1784His; replaces arginine 1784 with histidine.
Molecular consequence: missense variant.
Genome position (GRCh38, 1-based): chr1:11,133,093, C>T on the plus strand (G>A on the coding strand, the complement: MTOR is on the minus strand). VCF-style: chr1-11133093-C-T. GRCh37 (hg19) VCF-style: chr1-11193150-C-T.
Other names: c.5351G>A, p.Arg1784His (NM_001386500.1); c.4103G>A, p.Arg1368His (NM_001386501.1); short protein forms R1368H, R1784H.
Identifiers: ClinVar variation 2638221 (VCV002638221.27), dbSNP rs764395301, ClinGen allele CA589369.